The following is an entry in ClinVar:

NM_000208.4(INSR):c.3410T>C (p.Ile1137Thr)

Gene: INSR (insulin receptor; minus strand). Cytogenetic location: 19p13.2.
Variant type: single nucleotide variant.
Coding change: c.3410T>C on transcript NM_000208.4 (MANE Select); coding-DNA position 3410, T replaced by C.
Protein change: p.Ile1137Thr; replaces isoleucine 1137 with threonine.
Molecular consequence: missense variant.
Genome position (GRCh38, 1-based): chr19:7,122,733, A>G on the plus strand (T>C on the coding strand, the complement: INSR is on the minus strand). VCF-style: chr19-7122733-A-G. GRCh37 (hg19) VCF-style: chr19-7122744-A-G.
Other names: c.3374T>C, p.Ile1125Thr (NM_001079817.3); short protein forms I1137T, I1125T.
Identifiers: ClinVar variation 435516 (VCV000435516.17), dbSNP rs775854644, ClinGen allele CA9135252.

ClinVar aggregate classification (germline): Uncertain significance. Review status: criteria provided, multiple submitters, no conflicts (2 of 4 stars). 4 submissions from 4 submitters: Uncertain significance (4). Last evaluated 2024-06-14.

Conditions:
Hyperinsulinism due to INSR deficiency. Also called: Hyperinsulinism due to glutamodehydrogenase deficiency. Identifiers: Orphanet 263458, MedGen C1864952, MONDO:0012381, OMIM 609968.
Rabson-Mendenhall syndrome. Also called: Pineal Hyperplasia, Insulin-Resistant Diabetes Mellitus, and Somatic Abnormalities; Pineal hyperplasia AND diabetes mellitus syndrome; MENDENHALL SYNDROME. Identifiers: Orphanet 769, MedGen C0271695, MONDO:0009874, OMIM 262190.
Insulin-resistant diabetes mellitus AND acanthosis nigricans. Also called: type A insulin resistance; DIABETES MELLITUS, INSULIN-RESISTANT, WITH ACANTHOSIS NIGRICANS, TYPE A; Insulin-resistance syndrome type A; INSULIN RECEPTOR, DEFECT IN, WITH INSULIN-RESISTANT DIABETES MELLITUS AND ACANTHOSIS NIGRICANS; IRAN, TYPE A. Identifiers: Orphanet 2297, MedGen C0342278, MONDO:0012520, OMIM 610549.
Leprechaunism syndrome. Also called: LEPRECHAUNISM; Donohue syndrome. Identifiers: Orphanet 508, MedGen C0265344, MONDO:0009517, OMIM 246200.

Allele frequency attached by ClinVar (database versions not stated): gnomAD exomes below 0.00001 and 0.00001; ExAC 0.00001.
gnomAD v4.1: 5 of 1,614,124 alleles (0.00031%); highest among the groups gnomAD compares: Middle Eastern, 0.066%; no homozygotes.

Submissions (4):

Fulgent Genetics
Classification: Uncertain significance for Leprechaunism syndrome; Rabson-Mendenhall syndrome; Hyperinsulinism due to INSR deficiency; Insulin-resistant diabetes mellitus AND acanthosis nigricans. Last evaluated: 2024-06-14. Review status: criteria provided, single submitter. Criteria: ACMG Guidelines, 2015. Collection method: clinical testing. Allele origin: germline.

Labcorp Genetics (formerly Invitae), Labcorp
Classification: Uncertain significance. Last evaluated: 2021-09-20. Review status: criteria provided, single submitter. Criteria: Invitae Variant Classification Sherloc (09022015). Collection method: clinical testing. Allele origin: germline.
Comment: This sequence change replaces isoleucine with threonine at codon 1137 of the INSR protein (p.Ile1137Thr). The isoleucine residue is highly conserved and there is a moderate physicochemical difference between isoleucine and threonine. This variant is present in population databases (rs775854644, ExAC no frequency). This variant has not been reported in the literature in individuals affected with INSR-related conditions. ClinVar contains an entry for this variant (Variation ID: 435516). Algorithms developed to predict the effect of missense changes on protein structure and function are either unavailable or do not agree on the potential impact of this missense change (SIFT: "Not Available"; PolyPhen-2: "Possibly Damaging"; Align-GVGD: "Not Available"). In summary, the available evidence is currently insufficient to determine the role of this variant in disease. Therefore, it has been classified as a Variant of Uncertain Significance.

Revvity Omics, Revvity
Classification: Uncertain significance. Last evaluated: 2021-02-02. Review status: criteria provided, single submitter. Criteria: ACMG Guidelines, 2015. Collection method: clinical testing. Allele origin: germline.

Genetic Services Laboratory, University of Chicago
Classification: Uncertain significance. Last evaluated: 2017-04-27. Review status: criteria provided, single submitter. Criteria: ACMG Guidelines, 2015. Collection method: clinical testing. Allele origin: germline. Affected: no.